The following is an entry in ClinVar:

ClinVar aggregate classification (germline): Uncertain significance (1 of 4 stars; one submission).

gnomAD v4.1: 1 of 1,211,717 alleles (0.000083%); highest among the groups gnomAD compares: Non-Finnish European, 0.00011%; no homozygotes.

Submission:

Labcorp Genetics (formerly Invitae), Labcorp
Classification: Uncertain significance. Last evaluated: 2024-09-22. Review status: criteria provided, single submitter. Criteria: Invitae Variant Classification Sherloc (09022015). Collection method: clinical testing. Allele origin: germline.
Comment: This sequence change replaces histidine, which is basic and polar, with tyrosine, which is neutral and polar, at codon 782 of the TLR7 protein (p.His782Tyr). This variant is not present in population databases (gnomAD no frequency). This variant has not been reported in the literature in individuals affected with TLR7-related conditions. An algorithm developed to predict the effect of missense changes on protein structure and function (PolyPhen-2) suggests that this variant is likely to be tolerated. In summary, the available evidence is currently insufficient to determine the role of this variant in disease. Therefore, it has been classified as a Variant of Uncertain Significance.

NM_016562.4(TLR7):c.2344C>T (p.His782Tyr)

Gene: TLR7 (toll like receptor 7; plus strand). Cytogenetic location: Xp22.2.
Variant type: single nucleotide variant.
Coding change: c.2344C>T on transcript NM_016562.4 (MANE Select); coding-DNA position 2344, C replaced by T.
Protein change: p.His782Tyr; replaces histidine 782 with tyrosine.
Molecular consequence: missense variant.
Genome position (GRCh38, 1-based): chrX:12,887,852, C>T. VCF-style: chrX-12887852-C-T. GRCh37 (hg19) VCF-style: chrX-12905971-C-T.
Other names: short protein forms H782Y.
Identifiers: ClinVar variation 3685507 (VCV003685507.2).
Genomic context (GRCh38, chrX:12,887,852, plus strand): 5'-ATCCAAAAGACCAGCTTCCCAGAAAATGTCCTCAACAATCTGAAGATGTTGCTTTTGCAT[C>T]ATAATCGGTTTCTGTGCACCTGTGATGCTGTGTGGTTTGTCTGGTGGGTTAACCATACGG-3'
Protein context (NP_057646.1, residues 772-792): LNNLKMLLLH[His782Tyr]NRFLCTCDAV